The following is an entry in ClinVar:

ClinVar aggregate classification (germline): Uncertain significance (1 of 4 stars; one submission).

Submission:

Labcorp Genetics (formerly Invitae), Labcorp
Classification: Uncertain significance. Last evaluated: 2024-08-24. Review status: criteria provided, single submitter. Criteria: Invitae Variant Classification Sherloc (09022015). Collection method: clinical testing. Allele origin: germline.
Comment: This sequence change replaces glutamic acid, which is acidic and polar, with lysine, which is basic and polar, at codon 24 of the ALPK1 protein (p.Glu24Lys). This variant is present in population databases (no rsID available, gnomAD 0.003%). This variant has not been reported in the literature in individuals affected with ALPK1-related conditions. An algorithm developed to predict the effect of missense changes on protein structure and function outputs the following: PolyPhen-2: "Benign". The lysine amino acid residue is found in multiple mammalian species, which suggests that this missense change does not adversely affect protein function. In summary, the available evidence is currently insufficient to determine the role of this variant in disease. Therefore, it has been classified as a Variant of Uncertain Significance.

NM_025144.4(ALPK1):c.70G>A (p.Glu24Lys)

Gene: ALPK1 (alpha kinase 1; plus strand). Cytogenetic location: 4q25.
Variant type: single nucleotide variant.
Coding change: c.70G>A on transcript NM_025144.4 (MANE Select); coding-DNA position 70, G replaced by A.
Protein change: p.Glu24Lys; replaces glutamic acid 24 with lysine.
Molecular consequence: missense variant. On other transcripts: 5 prime UTR variant (1).
Genome position (GRCh38, 1-based): chr4:112,377,847, G>A. VCF-style: chr4-112377847-G-A. GRCh37 (hg19) VCF-style: chr4-113299003-G-A.
Other names: c.70G>A, p.Glu24Lys (NM_001102406.2); c.-10G>A (NM_001253884.2); short protein forms E24K.
Identifiers: ClinVar variation 3683700 (VCV003683700.2).
Genomic context (GRCh38, chr4:112,377,847, plus strand): 5'-CAAAAAGTGGTAGCTGTGCTACTGCAAGAGTGCAAGCAAGTGCTGGATCAGCTCTTGTTG[G>A]AAGCGCCAGATGTGTCGGAAGAGGACAAGAGCGAGGACCAGCGCTGCAGAGGTGAGGTTC-3'
Protein context (NP_079420.3, residues 14-34): CKQVLDQLLL[Glu24Lys]APDVSEEDKS